The following is an entry in ClinVar:

ClinVar aggregate classification (germline): Likely pathogenic (1 of 4 stars; one submission).

Conditions:
Coffin-Siris syndrome 1 (CSS1). Also called: Mental retardation, autosomal dominant 12; ARID1B-Related Coffin-Siris Syndrome. Identifiers: Orphanet 1465, MedGen C3281201, MONDO:0007617, OMIM 135900. Disease mechanism: gain of function.

Submission:

Clinical Genomics Laboratory, Washington University in St. Louis
Classification: Likely pathogenic for Coffin-Siris syndrome 1. Last evaluated: 2025-11-19. Review status: criteria provided, single submitter. Criteria: ACMG Guidelines, 2015. Collection method: clinical testing. Allele origin: germline. Affected: yes.
Comment: The ARID1B c.2075dup (p.His692Glnfs*31) variant, to our knowledge, has not been reported in the medical literature. This variant causes a frameshift by duplicating one nucleotide, leading to a premature termination codon which is predicted to lead to nonsense mediated decay. This variant is absent from the general population (gnomAD v.2.1.1), indicating it is not a common variant. Based on available information and the ACMG/AMP guidelines for variant interpretation (Richards S et al., PMID: 25741868), this variant is classified as likely pathogenic.

NM_001374828.1(ARID1B):c.2075dup (p.His692fs)

Gene: ARID1B (AT-rich interaction domain 1B; plus strand). Cytogenetic location: 6q25.3.
Variant type: Duplication.
Coding change: c.2075dup on transcript NM_001374828.1 (MANE Select); coding-DNA position 2075, one base duplicated (A; older notation c.2075dupA).
Protein change: p.His692fs; shifts the reading frame from histidine 692.
Molecular consequence: frameshift variant.
Genome position (GRCh38, 1-based): chr6:156,901,464, A duplicated. VCF-style (leftmost placement, unchanged base first): chr6-156901463-C-CA. GRCh37 (hg19) VCF-style: chr6-157222597-C-CA.
Other names: c.2114dup, p.His705fs (NM_001371656.1, NM_001374820.1); c.2075dup, p.His692fs (NM_001438482.1, NM_001438483.1, NM_001438485.1 and 7 more transcripts); short protein forms H692fs, H705fs.
Identifiers: ClinVar variation 4879305 (VCV004879305.1).